The following is an entry in ClinVar:

NM_003114.5(SPAG1):c.1848C>T (p.Gly616=)

Gene: SPAG1 (sperm associated antigen 1; plus strand). Cytogenetic location: 8q22.2.
Variant type: single nucleotide variant.
Coding change: c.1848C>T on transcript NM_003114.5 (MANE Select); coding-DNA position 1848, C replaced by T.
Protein change: p.Gly616=; no amino-acid change (glycine 616 retained).
Molecular consequence: synonymous variant.
Genome position (GRCh38, 1-based): chr8:100,225,332, C>T. VCF-style: chr8-100225332-C-T. GRCh37 (hg19) VCF-style: chr8-101237560-C-T.
Other names: c.1848C>T, p.Gly616= (NM_001374321.1, NM_172218.3).
Identifiers: ClinVar variation 655960 (VCV000655960.5), dbSNP rs148562317, ClinGen allele CA4827601.
Genomic context (GRCh38, chr8:100,225,332, plus strand): 5'-TCCGGCAAAAGAGATGATCTCAAAACAAGCAGGAGACTCCAGCAGCCATCGCCAGCAGGG[C>T]ATCACAGGTGGGGGATGCCTGCACTCATTTCTTCTCAAGGTTACCTTGAGTTGTGTGTGT-3'
Protein context (NP_003105.2, residues 606-626): AGDSSSHRQQ[Gly616=]ITDEKTFKAL

ClinVar aggregate classification (germline): Uncertain significance (1 of 4 stars; one submission).

Conditions:
Primary ciliary dyskinesia 28. Also called: CILIARY DYSKINESIA, PRIMARY, 28, WITH OR WITHOUT SITUS INVERSUS. Identifiers: Orphanet 244, MedGen C3809706, MONDO:0014216, OMIM 615505.

Allele frequency attached by ClinVar (database versions not stated): ExAC 0.00006; gnomAD exomes 0.00008 and 0.00011; TOPMed 0.00008; gnomAD 0.00009 and 0.00010; ESP Exome Variant Server 0.00023.
gnomAD v4.1: 173 of 1,613,316 alleles (0.011%); highest among the groups gnomAD compares: Non-Finnish European, 0.014%; no homozygotes.

Submission:

Labcorp Genetics (formerly Invitae), Labcorp
Classification: Uncertain significance for Primary ciliary dyskinesia 28. Last evaluated: 2025-01-12. Review status: criteria provided, single submitter. Criteria: Invitae Variant Classification Sherloc (09022015). Collection method: clinical testing. Allele origin: germline.
Comment: This sequence change affects codon 616 of the SPAG1 mRNA. It is a 'silent' change, meaning that it does not change the encoded amino acid sequence of the SPAG1 protein. This variant is present in population databases (rs148562317, gnomAD 0.02%). This variant has not been reported in the literature in individuals affected with SPAG1-related conditions. ClinVar contains an entry for this variant (Variation ID: 655960). Algorithms developed to predict the effect of sequence changes on RNA splicing suggest that this variant may create or strengthen a splice site. In summary, the available evidence is currently insufficient to determine the role of this variant in disease. Therefore, it has been classified as a Variant of Uncertain Significance.